The following is an entry in ClinVar:

NM_001369.3(DNAH5):c.7514A>T (p.Glu2505Val)

Gene: DNAH5 (dynein axonemal heavy chain 5; minus strand). Cytogenetic location: 5p15.2.
Variant type: single nucleotide variant.
Coding change: c.7514A>T on transcript NM_001369.3 (MANE Select); coding-DNA position 7514, A replaced by T.
Protein change: p.Glu2505Val; replaces glutamic acid 2505 with valine.
Molecular consequence: missense variant.
Genome position (GRCh38, 1-based): chr5:13,810,154, T>A on the plus strand (A>T on the coding strand, the complement: DNAH5 is on the minus strand). VCF-style: chr5-13810154-T-A. GRCh37 (hg19) VCF-style: chr5-13810263-T-A.
Other names: short protein forms E2505V.
Identifiers: ClinVar variation 2155968 (VCV002155968.3), dbSNP rs1296081403, ClinGen allele CA359231941.

ClinVar aggregate classification (germline): Uncertain significance (1 of 4 stars; one submission).

Conditions:
Primary ciliary dyskinesia. Also called: Ciliary dyskinesia. Identifiers: Orphanet 244, MedGen C0008780, MONDO:0016575, HP:0012265.

gnomAD v4.1: 2 of 1,548,436 alleles (0.00013%); highest among the groups gnomAD compares: Non-Finnish European, 0.00017%; no homozygotes.

Submission:

Labcorp Genetics (formerly Invitae), Labcorp
Classification: Uncertain significance for Primary ciliary dyskinesia. Last evaluated: 2025-03-31. Review status: criteria provided, single submitter. Criteria: Invitae Variant Classification Sherloc (09022015). Collection method: clinical testing. Allele origin: germline.
Comment: This sequence change replaces glutamic acid, which is acidic and polar, with valine, which is neutral and non-polar, at codon 2505 of the DNAH5 protein (p.Glu2505Val). This variant is present in population databases (no rsID available, gnomAD 0.002%). This variant has not been reported in the literature in individuals affected with DNAH5-related conditions. ClinVar contains an entry for this variant (Variation ID: 2155968). Invitae Evidence Modeling of protein sequence and biophysical properties (such as structural, functional, and spatial information, amino acid conservation, physicochemical variation, residue mobility, and thermodynamic stability) indicates that this missense variant is not expected to disrupt DNAH5 protein function with a negative predictive value of 95%. In summary, the available evidence is currently insufficient to determine the role of this variant in disease. Therefore, it has been classified as a Variant of Uncertain Significance.